The following is an entry in ClinVar:

NM_006939.4(SOS2):c.1001G>A (p.Arg334His)

Gene: SOS2 (SOS Ras/Rho guanine nucleotide exchange factor 2; minus strand). Cytogenetic location: 14q21.3.
Variant type: single nucleotide variant.
Coding change: c.1001G>A on transcript NM_006939.4 (MANE Select); coding-DNA position 1001, G replaced by A.
Protein change: p.Arg334His; replaces arginine 334 with histidine.
Molecular consequence: missense variant. On other transcripts: intron variant (1).
Genome position (GRCh38, 1-based): chr14:50,174,521, C>T on the plus strand (G>A on the coding strand, the complement: SOS2 is on the minus strand). VCF-style: chr14-50174521-C-T. GRCh37 (hg19) VCF-style: chr14-50641239-C-T.
Other names: c.969+6051G>A (NM_001411020.1); c.1001G>A (NM_006939.2); short protein forms R334H.
Identifiers: ClinVar variation 2145887 (VCV002145887.5), dbSNP rs373233749, ClinGen allele CA7177368.
Genomic context (GRCh38, chr14:50,174,521, plus strand): 5'-AACTCAAAGTAGTGCCAACAGTGATACACTGGCACCAGCATAAGACGTGGAAGGACATAA[C>T]GAACTGCCTCTTTAAAACCATCAGCAATGGACTGCAAAGCAAAAAGATATCACAGTATGT-3'
Protein context (NP_008870.2, residues 324-344): SIADGFKEAV[Arg334His]YVLPRLMLVP

ClinVar aggregate classification (germline): Conflicting classifications of pathogenicity. Review status: criteria provided, conflicting classifications (1 of 4 stars). 2 submissions from 2 submitters: Uncertain significance (1); Likely benign (1). Last evaluated 2025-10-13.

Conditions:
Noonan syndrome 9 (NS9). Identifiers: Orphanet 648, MedGen C4225282, MONDO:0014691, OMIM 616559.
Cardiovascular phenotype. Identifiers: MedGen CN230736.

Allele frequency attached by ClinVar (database versions not stated): TOPMed below 0.00001; gnomAD 0.00001; gnomAD exomes 0.00002; ExAC 0.00003; ESP Exome Variant Server 0.00008.
gnomAD v4.1: 28 of 1,609,210 alleles (0.0017%); highest among the groups gnomAD compares: South Asian, 0.0055%; no homozygotes.

Submissions (2):

Labcorp Genetics (formerly Invitae), Labcorp
Classification: Likely benign for Noonan syndrome 9. Last evaluated: 2025-10-13. Review status: criteria provided, single submitter. Criteria: Invitae Variant Classification Sherloc (09022015). Collection method: clinical testing. Allele origin: germline.

Ambry Genetics
Classification: Uncertain significance for Cardiovascular phenotype. Last evaluated: 2025-05-29. Review status: criteria provided, single submitter. Criteria: Ambry Variant Classification Scheme 2023. Collection method: clinical testing. Allele origin: germline.
Comment: The p.R334H variant (also known as c.1001G>A), located in coding exon 8 of the SOS2 gene, results from a G to A substitution at nucleotide position 1001. The arginine at codon 334 is replaced by histidine, an amino acid with highly similar properties. This amino acid position is not well conserved in available vertebrate species. In addition, this alteration is predicted to be tolerated by in silico analysis. Based on the available evidence, the clinical significance of this variant remains unclear.